The following is an entry in ClinVar:

NM_001849.4(COL6A2):c.655A>G (p.Met219Val)

Gene: COL6A2 (collagen type VI alpha 2 chain; plus strand). Cytogenetic location: 21q22.3.
Variant type: single nucleotide variant.
Coding change: c.655A>G on transcript NM_001849.4 (MANE Select); coding-DNA position 655, A replaced by G.
Protein change: p.Met219Val; replaces methionine 219 with valine.
Molecular consequence: missense variant.
Genome position (GRCh38, 1-based): chr21:46,112,518, A>G. VCF-style: chr21-46112518-A-G. GRCh37 (hg19) VCF-style: chr21-47532432-A-G.
Other names: c.655A>G, p.Met219Val (NM_058174.3, NM_058175.3); short protein forms M219V.
Identifiers: ClinVar variation 3696124 (VCV003696124.2).

ClinVar aggregate classification (germline): Uncertain significance (1 of 4 stars; one submission).

Conditions:
Bethlem myopathy 1A. Also called: MYOPATHY, BENIGN CONGENITAL, WITH CONTRACTURES; Bethlem myopathy 1; Bethlem Muscular Dystrophy. Identifiers: Orphanet 610, MedGen CN029274, MONDO:0024530, OMIM 158810.

gnomAD v4.1: 10 of 1,611,782 alleles (0.00062%); highest among the groups gnomAD compares: South Asian, 0.0011%; no homozygotes.

Submission:

Labcorp Genetics (formerly Invitae), Labcorp
Classification: Uncertain significance for Bethlem myopathy 1A. Last evaluated: 2024-06-04. Review status: criteria provided, single submitter. Criteria: Invitae Variant Classification Sherloc (09022015). Collection method: clinical testing. Allele origin: germline.
Comment: This sequence change replaces methionine, which is neutral and non-polar, with valine, which is neutral and non-polar, at codon 219 of the COL6A2 protein (p.Met219Val). The frequency data for this variant in the population databases is considered unreliable, as metrics indicate poor data quality at this position in the gnomAD database. This variant has not been reported in the literature in individuals affected with COL6A2-related conditions. Advanced modeling of protein sequence and biophysical properties (such as structural, functional, and spatial information, amino acid conservation, physicochemical variation, residue mobility, and thermodynamic stability) performed at Invitae indicates that this missense variant is not expected to disrupt COL6A2 protein function with a negative predictive value of 80%. In summary, the available evidence is currently insufficient to determine the role of this variant in disease. Therefore, it has been classified as a Variant of Uncertain Significance.